The following is an entry in ClinVar:

NM_018368.4(LMBRD1):c.989A>C (p.Lys330Thr)

Gene: LMBRD1 (LMBR1 domain containing 1; minus strand). Cytogenetic location: 6q13.
Variant type: single nucleotide variant.
Coding change: c.989A>C on transcript NM_018368.4 (MANE Select); coding-DNA position 989, A replaced by C.
Protein change: p.Lys330Thr; replaces lysine 330 with threonine.
Molecular consequence: missense variant.
Genome position (GRCh38, 1-based): chr6:69,701,537, T>G on the plus strand (A>C on the coding strand, the complement: LMBRD1 is on the minus strand). VCF-style: chr6-69701537-T-G. GRCh37 (hg19) VCF-style: chr6-70411429-T-G.
Other names: c.770A>C, p.Lys257Thr (NM_001363722.2, NM_001367271.1, NM_001367272.1); short protein forms K257T, K330T.
Identifiers: ClinVar variation 1438245 (VCV001438245.3), dbSNP rs766881860, ClinGen allele CA3879705.

ClinVar aggregate classification (germline): Uncertain significance (1 of 4 stars; one submission).

Conditions:
Methylmalonic aciduria and homocystinuria type cblF. Also called: COBALAMIN F DISEASE; COBALAMIN, DEFECT IN LYSOSOMAL RELEASE OF; METHYLMALONIC ACIDEMIA AND HOMOCYSTINURIA, cblF TYPE; METHYLMALONIC ACIDURIA DUE TO VITAMIN B12-RELEASE DEFECT; VITAMIN B12 LYSOSOMAL RELEASE DEFECT; VITAMIN B12 STORAGE DISEASE. Identifiers: Orphanet 79284, MedGen C1848578, MONDO:0010183, OMIM 277380.

Allele frequency attached by ClinVar (database versions not stated): gnomAD exomes below 0.00001; ExAC 0.00001.
gnomAD v4.1: 1 of 1,586,794 alleles (0.000063%); no homozygotes.

Submission:

Labcorp Genetics (formerly Invitae), Labcorp
Classification: Uncertain significance for Methylmalonic aciduria and homocystinuria type cblF. Last evaluated: 2022-07-19. Review status: criteria provided, single submitter. Criteria: Invitae Variant Classification Sherloc (09022015). Collection method: clinical testing. Allele origin: germline.
Comment: This sequence change replaces lysine, which is basic and polar, with threonine, which is neutral and polar, at codon 330 of the LMBRD1 protein (p.Lys330Thr). This variant is present in population databases (rs766881860, gnomAD 0.0009%). This variant has not been reported in the literature in individuals affected with LMBRD1-related conditions. ClinVar contains an entry for this variant (Variation ID: 1438245). Algorithms developed to predict the effect of missense changes on protein structure and function (SIFT, PolyPhen-2, Align-GVGD) all suggest that this variant is likely to be disruptive. In summary, the available evidence is currently insufficient to determine the role of this variant in disease. Therefore, it has been classified as a Variant of Uncertain Significance.